The following is an entry in ClinVar:

NM_000168.6(GLI3):c.1659C>T (p.Cys553=)

Gene: GLI3 (GLI family zinc finger 3; minus strand). Cytogenetic location: 7p14.1.
Variant type: single nucleotide variant.
Coding change: c.1659C>T on transcript NM_000168.6 (MANE Select); coding-DNA position 1659, C replaced by T.
Protein change: p.Cys553=; no amino-acid change (cysteine 553 retained).
Molecular consequence: synonymous variant.
Genome position (GRCh38, 1-based): chr7:41,977,711, G>A on the plus strand (C>T on the coding strand, the complement: GLI3 is on the minus strand). VCF-style: chr7-41977711-G-A. GRCh37 (hg19) VCF-style: chr7-42017310-G-A.
Identifiers: ClinVar variation 2682283 (VCV002682283.1), dbSNP rs532041527, ClinGen allele CA4230775.

ClinVar aggregate classification (germline): Likely benign (1 of 4 stars; one submission).

Allele frequency attached by ClinVar (database versions not stated): gnomAD 0.00001; gnomAD exomes 0.00001; ExAC 0.00002; 1000 Genomes Project 30x 0.00031; 1000 Genomes Project 0.00040.
gnomAD v4.1: 19 of 1,613,908 alleles (0.0012%); highest among the groups gnomAD compares: South Asian, 0.015%; no homozygotes.

Submission:

Women's Health and Genetics/Laboratory Corporation of America, LabCorp
Classification: Likely benign. Last evaluated: 2023-11-28. Review status: criteria provided, single submitter. Criteria: LabCorp Variant Classification Summary - May 2015. Collection method: clinical testing. Allele origin: germline.
Comment: Variant summary: GLI3 c.1659C>T alters a non-conserved nucleotide resulting in a synonymous change. Consensus agreement among computation tools predict no significant impact on normal splicing. However, these predictions have yet to be confirmed by functional studies. The variant allele was found at a frequency of 4.4e-05 in 251484 control chromosomes (i.e., 11 heterozygotes; gnomAD v2.1.1 Exomes dataset). The available data on variant occurrences in the general population are insufficient to allow any conclusion about variant significance. To our knowledge, no occurrence of c.1659C>T in individuals affected with Greig Cephalopolysyndactyly Syndrome and no experimental evidence demonstrating its impact on protein function have been reported. No submitters have reported clinical-significance assessments for this variant to ClinVar after 2014. Based on the evidence outlined above, the variant was classified as likely benign.